The following is an entry in ClinVar:

NM_001379286.1(ZNF423):c.1964T>G (p.Phe655Cys)

Gene: ZNF423 (zinc finger protein 423; minus strand). Cytogenetic location: 16q12.1.
Variant type: single nucleotide variant.
Coding change: c.1964T>G on transcript NM_001379286.1 (MANE Select); coding-DNA position 1964, T replaced by G.
Protein change: p.Phe655Cys; replaces phenylalanine 655 with cysteine.
Molecular consequence: missense variant.
Genome position (GRCh38, 1-based): chr16:49,637,212, A>C on the plus strand (T>G on the coding strand, the complement: ZNF423 is on the minus strand). VCF-style: chr16-49637212-A-C. GRCh37 (hg19) VCF-style: chr16-49671123-A-C.
Other names: c.1760T>G, p.Phe587Cys (NM_001271620.2); c.1589T>G, p.Phe530Cys (NM_001330533.2); c.1940T>G, p.Phe647Cys (NM_015069.5); short protein forms F647C, F530C, F587C, F655C.
Identifiers: ClinVar variation 953794 (VCV000953794.9), dbSNP rs1972762153, ClinGen allele CA395845353.

ClinVar aggregate classification (germline): Uncertain significance (1 of 4 stars; one submission).

Conditions:
Nephronophthisis 14 (NPHP14). Identifiers: Orphanet 2318, MedGen C3539071, MONDO:0013916, OMIM 614844.

Submission:

Labcorp Genetics (formerly Invitae), Labcorp
Classification: Uncertain significance for Nephronophthisis 14. Last evaluated: 2019-09-30. Review status: criteria provided, single submitter. Criteria: Invitae Variant Classification Sherloc (09022015). Collection method: clinical testing. Allele origin: germline.
Comment: This variant has not been reported in the literature in individuals with ZNF423-related conditions. This variant is not present in population databases (ExAC no frequency). This sequence change replaces phenylalanine with cysteine at codon 647 of the ZNF423 protein (p.Phe647Cys). The phenylalanine residue is highly conserved and there is a large physicochemical difference between phenylalanine and cysteine. In summary, the available evidence is currently insufficient to determine the role of this variant in disease. Therefore, it has been classified as a Variant of Uncertain Significance. Algorithms developed to predict the effect of missense changes on protein structure and function (SIFT, PolyPhen-2, Align-GVGD) all suggest that this variant is likely to be disruptive, but these predictions have not been confirmed by published functional studies and their clinical significance is uncertain.